The following is an entry in ClinVar:

NM_001035.3(RYR2):c.7383C>T (p.Cys2461=)

Gene: RYR2 (ryanodine receptor 2; plus strand). Cytogenetic location: 1q43.
Variant type: single nucleotide variant.
Coding change: c.7383C>T on transcript NM_001035.3 (MANE Select); coding-DNA position 7383, C replaced by T.
Protein change: p.Cys2461=; no amino-acid change (cysteine 2461 retained).
Molecular consequence: synonymous variant.
Genome position (GRCh38, 1-based): chr1:237,648,484, C>T. VCF-style: chr1-237648484-C-T. GRCh37 (hg19) VCF-style: chr1-237811784-C-T.
Other names: c.7383C>T, p.Cys2461= (LRG_402t1).
Identifiers: ClinVar variation 463635 (VCV000463635.13), dbSNP rs373881578, ClinGen allele CA39796538.

ClinVar aggregate classification (germline): Likely benign. Review status: criteria provided, multiple submitters, no conflicts (2 of 4 stars). 5 submissions from 5 submitters: Likely benign (5). Last evaluated 2025-12-24.

Conditions:
Cardiovascular phenotype. Identifiers: MedGen CN230736.
Catecholaminergic polymorphic ventricular tachycardia (CVPT). Also called: Catecholamine-induced polymorphic ventricular tachycardia. Identifiers: Orphanet 3286, MedGen C5574922, MONDO:0017990.
Cardiomyopathy (CMYO). Also called: Cardiomyopathies. Identifiers: Orphanet 167848, MedGen C0878544, MONDO:0004994, HP:0001638. Inheritance: Various modes of inheritance.
Catecholaminergic polymorphic ventricular tachycardia 1. Also called: VENTRICULAR TACHYCARDIA, STRESS-INDUCED POLYMORPHIC 1; VENTRICULAR TACHYCARDIA, CATECHOLAMINERGIC POLYMORPHIC, 1, WITH OR WITHOUT ATRIAL DYSFUNCTION AND/OR DILATED CARDIOMYOPATHY; RYR2-Related Catecholaminergic Polymorphic Ventricular Tachycardia. Identifiers: Orphanet 3286, MedGen C1631597, MONDO:0011484, OMIM 604772.

Allele frequency attached by ClinVar (database versions not stated): gnomAD exomes below 0.00001; TOPMed below 0.00001.
gnomAD v4.1: 6 of 1,610,218 alleles (0.00037%); highest among the groups gnomAD compares: African/African-American, 0.004%; no homozygotes.

Submissions (5):

Labcorp Genetics (formerly Invitae), Labcorp
Classification: Likely benign for Catecholaminergic polymorphic ventricular tachycardia 1. Last evaluated: 2025-12-24. Review status: criteria provided, single submitter. Criteria: Invitae Variant Classification Sherloc (09022015). Collection method: clinical testing. Allele origin: germline.

All of Us Research Program, National Institutes of Health
Classification: Likely benign for Catecholaminergic polymorphic ventricular tachycardia. Last evaluated: 2023-12-13. Review status: criteria provided, single submitter. Criteria: ACMG Guidelines, 2015. Collection method: clinical testing. Allele origin: germline. Inheritance: Autosomal dominant inheritance. Observed: 1 variant allele, 1 heterozygote.
Comment: This study involves interpretation of variants in research participants for the purpose of population health screening. Participant phenotype was not available at the time of variant classification. Additional details can be found in publication PMID: 35346344, PMCID: PMC8962531

Color Diagnostics, LLC DBA Color Health
Classification: Likely benign for Cardiomyopathy. Last evaluated: 2023-11-22. Review status: criteria provided, single submitter. Criteria: ACMG Guidelines, 2015. Collection method: clinical testing. Allele origin: germline.

Ambry Genetics
Classification: Likely benign for Cardiovascular phenotype. Last evaluated: 2023-09-18. Review status: criteria provided, single submitter. Criteria: Ambry Variant Classification Scheme 2023. Collection method: clinical testing. Allele origin: germline.

Breakthrough Genomics
Classification: Likely benign. Review status: criteria provided, single submitter. Criteria: ACMG Guidelines, 2015. Collection method: not provided. Allele origin: germline. Inheritance: Autosomal dominant inheritance. Affected: yes.